The following is an entry in ClinVar:

NM_004380.3(CREBBP):c.1143G>A (p.Ser381=)

Gene: CREBBP (CREB binding lysine acetyltransferase; minus strand). Cytogenetic location: 16p13.3.
Variant type: single nucleotide variant.
Coding change: c.1143G>A on transcript NM_004380.3 (MANE Select); coding-DNA position 1143, G replaced by A.
Protein change: p.Ser381=; no amino-acid change (serine 381 retained).
Molecular consequence: synonymous variant.
Genome position (GRCh38, 1-based): chr16:3,793,459, C>T on the plus strand (G>A on the coding strand, the complement: CREBBP is on the minus strand). VCF-style: chr16-3793459-C-T. GRCh37 (hg19) VCF-style: chr16-3843460-C-T.
Other names: c.1143G>A, p.Ser381= (NM_001079846.1).
Identifiers: ClinVar variation 752809 (VCV000752809.13), dbSNP rs147342740, ClinGen allele CA7870505.
Genomic context (GRCh38, chr16:3,793,459, plus strand): 5'-CCCAGCCTGACAATGCGTCATGTGATTCAAAACGTTTTTCATGGTTCGACAATGCGGGAG[C>T]GAGCAGGCCCGAACCTCTCCGTTTGCTTGCTCTCGTCTCTGACACTTATGAGCATGAAGC-3'
Protein context (NP_004371.2, residues 371-391): EQANGEVRAC[Ser381=]LPHCRTMKNV

ClinVar aggregate classification (germline): Likely benign. Review status: criteria provided, multiple submitters, no conflicts (2 of 4 stars). 4 submissions from 4 submitters: Likely benign (3). 1 of the submissions does not count toward it. Last evaluated 2026-01-26.

Conditions:
Rubinstein-Taybi syndrome due to CREBBP mutations (RSTS1). Also called: BROAD THUMBS AND GREAT TOES, CHARACTERISTIC FACIES, AND IMPAIRED INTELLECTUAL DEVELOPMENT; CREBBP-Related Rubinstein-Taybi Syndrome; RUBINSTEIN-TAYBI SYNDROME 1, INCOMPLETE; RUBINSTEIN SYNDROME; BROAD THUMB-HALLUX SYNDROME; Rubinstein-Taybi syndrome 1. Identifiers: Orphanet 353277, Orphanet 783, MedGen C4551859, MONDO:0008393, OMIM 180849.
Menke-Hennekam syndrome 1 (MKHK1). Identifiers: MedGen C5193034, MONDO:0020763, OMIM 618332.
CREBBP-related disorder. Also called: CREBBP-related disorders; CREBBP-related condition.
Rubinstein-Taybi syndrome (RSTS). Identifiers: Orphanet 783, MedGen C0035934, MONDO:0019188.

Allele frequency attached by ClinVar (database versions not stated): gnomAD exomes 0.00003 and 0.00006; ExAC 0.00005; gnomAD 0.00009 and 0.00010; TOPMed 0.00009; ESP Exome Variant Server 0.00015; 1000 Genomes Project 0.00020; 1000 Genomes Project 30x 0.00031.

Submissions (4):

Labcorp Genetics (formerly Invitae), Labcorp
Classification: Likely benign for Rubinstein-Taybi syndrome. Last evaluated: 2026-01-26. Review status: criteria provided, single submitter. Criteria: Invitae Variant Classification Sherloc (09022015). Collection method: clinical testing. Allele origin: germline.

Blueprint Genetics
Classification: Likely benign. Last evaluated: 2024-10-15. Review status: criteria provided, single submitter. Criteria: ACMG Guidelines, 2015. Collection method: clinical testing. Allele origin: germline.

Fulgent Genetics
Classification: Likely benign for Rubinstein-Taybi syndrome due to CREBBP mutations; Menke-Hennekam syndrome 1. Last evaluated: 2021-07-30. Review status: criteria provided, single submitter. Criteria: ACMG Guidelines, 2015. Collection method: clinical testing. Allele origin: unknown.

PreventionGenetics, part of Exact Sciences
Classification: Likely benign for CREBBP-related condition. Last evaluated: 2021-05-21. Review status: no assertion criteria provided. Collection method: clinical testing. Allele origin: germline. Not counted in ClinVar's aggregate classification.
Comment: This variant is classified as likely benign based on ACMG/AMP sequence variant interpretation guidelines (Richards et al. 2015 PMID: 25741868, with internal and published modifications).